The following is an entry in ClinVar:

NM_003923.3(FOXH1):c.1078C>A (p.Leu360Ile)

Gene: FOXH1 (forkhead box H1; minus strand). Cytogenetic location: 8q24.3.
Variant type: single nucleotide variant.
Coding change: c.1078C>A on transcript NM_003923.3 (MANE Select); coding-DNA position 1078, C replaced by A.
Protein change: p.Leu360Ile; replaces leucine 360 with isoleucine.
Molecular consequence: missense variant.
Genome position (GRCh38, 1-based): chr8:144,474,258, G>T on the plus strand (C>A on the coding strand, the complement: FOXH1 is on the minus strand). VCF-style: chr8-144474258-G-T. GRCh37 (hg19) VCF-style: chr8-145699641-G-T.
Other names: short protein forms L360I.
Identifiers: ClinVar variation 4875252 (VCV004875252.2).

ClinVar aggregate classification (germline): Uncertain significance (1 of 4 stars; one submission).

Submission:

CeGaT Center for Human Genetics Tuebingen
Classification: Uncertain significance. Last evaluated: 2026-06-01. Review status: criteria provided, single submitter. Criteria: CeGaT Center For Human Genetics Tuebingen Variant Classification Criteria Version 2. Collection method: clinical testing. Allele origin: germline. Affected: yes. Observed: 1 variant allele.
Comment: FOXH1: PM2